The following is an entry in ClinVar:

ClinVar aggregate classification (germline): Likely benign. Review status: criteria provided, single submitter (1 of 4 stars). 2 submissions from 2 submitters: Likely benign (1). 1 of the submissions does not count toward it. Last evaluated 2023-07-27.

Conditions:
RP1L1-related disorder. Also called: RP1L1-related condition.

Allele frequency attached by ClinVar (database versions not stated): gnomAD exomes below 0.00001; gnomAD 0.00001.
gnomAD v4.1: 3 of 1,614,044 alleles (0.00019%); highest among the groups gnomAD compares: African/African-American, 0.004%; no homozygotes.

Submissions (2):

Blueprint Genetics
Classification: Likely benign. Last evaluated: 2023-07-27. Review status: criteria provided, single submitter. Criteria: ACMG Guidelines, 2015. Collection method: clinical testing. Allele origin: germline.

PreventionGenetics, part of Exact Sciences
Classification: Likely benign for RP1L1-related condition. Last evaluated: 2019-02-21. Review status: no assertion criteria provided. Collection method: clinical testing. Allele origin: germline. Not counted in ClinVar's aggregate classification.
Comment: This variant is classified as likely benign based on ACMG/AMP sequence variant interpretation guidelines (Richards et al. 2015 PMID: 25741868, with internal and published modifications).

NM_178857.6(RP1L1):c.5316A>G (p.Arg1772=)

Gene: RP1L1 (RP1 like 1). Cytogenetic location: 8p23.1.
Variant type: single nucleotide variant.
Coding change: c.5316A>G on transcript NM_178857.6 (MANE Select); coding-DNA position 5316, A replaced by G.
Protein change: p.Arg1772=; no amino-acid change (arginine 1772 retained).
Molecular consequence: synonymous variant.
Genome position (GRCh38, 1-based): chr8:10,608,782, T>C on the plus strand (A>G on the coding strand, the complement: RP1L1 is on the minus strand). VCF-style: chr8-10608782-T-C. GRCh37 (hg19) VCF-style: chr8-10466292-T-C.
Identifiers: ClinVar variation 3057615 (VCV003057615.3), dbSNP rs868712873, ClinGen allele CA171940954.